The following is an entry in ClinVar:

ClinVar aggregate classification (germline): Uncertain significance. Review status: criteria provided, multiple submitters, no conflicts (2 of 4 stars). 3 submissions from 3 submitters: Uncertain significance (3). Last evaluated 2025-03-07.

Conditions:
Inborn genetic diseases. Identifiers: MedGen C0950123, MeSH D030342.
Eichsfeld type congenital muscular dystrophy (CMYO3). Also called: MYOPATHY, SEPN1-RELATED; SELENON-related myopathy; Congenital myopathy 3 with rigid spine; Rigid spine muscular dystrophy 1. Identifiers: MedGen C0410180, MONDO:0100100, OMIM 602771.

Allele frequency attached by ClinVar (database versions not stated): gnomAD exomes below 0.00001.
gnomAD v4.1: 1 of 991,366 alleles (0.0001%); highest among the groups gnomAD compares: Non-Finnish European, 0.00012%; no homozygotes.

Submissions (3):

Ambry Genetics
Classification: Uncertain significance for Inborn genetic diseases. Last evaluated: 2025-03-07. Review status: criteria provided, single submitter. Criteria: Ambry Variant Classification Scheme 2023. Collection method: clinical testing. Allele origin: germline.

GeneDx
Classification: Uncertain significance. Last evaluated: 2024-07-03. Review status: criteria provided, single submitter. Criteria: GeneDx Variant Classification Process June 2021. Collection method: clinical testing. Allele origin: germline. Affected: yes.
Comment: Not observed at significant frequency in large population cohorts (gnomAD); In silico analysis indicates that this missense variant does not alter protein structure/function; Has not been previously published as pathogenic or benign to our knowledge

Labcorp Genetics (formerly Invitae), Labcorp
Classification: Uncertain significance for Eichsfeld type congenital muscular dystrophy. Last evaluated: 2019-01-19. Review status: criteria provided, single submitter. Criteria: Invitae Variant Classification Sherloc (09022015). Collection method: clinical testing. Allele origin: germline.
Comment: Algorithms developed to predict the effect of missense changes on protein structure and function are either unavailable or do not agree on the potential impact of this missense change (SIFT: "Tolerated"; PolyPhen-2: "Not Available"; Align-GVGD: "Class C0"). In summary, the available evidence is currently insufficient to determine the role of this variant in disease. Therefore, it has been classified as a Variant of Uncertain Significance. This variant has not been reported in the literature in individuals with SELENON-related conditions. The frequency data for this variant in the population databases is considered unreliable, as metrics indicate insufficient coverage at this position in the ExAC database. This sequence change replaces alanine with valine at codon 22 of the SELENON protein (p.Ala22Val). The alanine residue is weakly conserved and there is a small physicochemical difference between alanine and valine.

NM_206926.2(SELENON):c.65C>T (p.Ala22Val)

Gene: SELENON (selenoprotein N; plus strand). Cytogenetic location: 1p36.11.
Variant type: single nucleotide variant.
Coding change: c.65C>T on transcript NM_206926.2 (MANE Select); coding-DNA position 65, C replaced by T.
Protein change: p.Ala22Val; replaces alanine 22 with valine.
Molecular consequence: missense variant.
Genome position (GRCh38, 1-based): chr1:25,800,295, C>T. VCF-style: chr1-25800295-C-T. GRCh37 (hg19) VCF-style: chr1-26126786-C-T.
Other names: c.65C>T, p.Ala22Val (NM_020451.3); short protein forms A22V.
Identifiers: ClinVar variation 843167 (VCV000843167.8), dbSNP rs2047849177, ClinGen allele CA339105941.
Genomic context (GRCh38, chr1:25,800,295, plus strand): 5'-GCCGGGCCCGGCCGGGCCAACGCGGGCCGCCCAGCCCCGGCCCCGCCGCGCAGCCTCCCG[C>T]GCCACCGCGCCGCCGCGCCCGTTCCCTGGCGCTGCTCGGAGCCCTGCTGGCCGCCGCCGC-3'
Protein context (NP_996809.1, residues 12-32): PSPGPAAQPP[Ala22Val]PPRRRARSLA